The following is an entry in ClinVar:

NM_000719.7(CACNA1C):c.172G>A (p.Ala58Thr)

Gene: CACNA1C (calcium voltage-gated channel subunit alpha1 C; plus strand). Cytogenetic location: 12p13.33.
Variant type: single nucleotide variant.
Coding change: c.172G>A on transcript NM_000719.7 (MANE Select); coding-DNA position 172, G replaced by A.
Protein change: p.Ala58Thr; replaces alanine 58 with threonine.
Molecular consequence: missense variant.
Genome position (GRCh38, 1-based): chr12:2,115,346, G>A. VCF-style: chr12-2115346-G-A. GRCh37 (hg19) VCF-style: chr12-2224512-G-A.
Other names: c.172G>A, p.Ala58Thr (NM_001129827.2, NM_001129829.2, NM_001129830.3 and 19 more transcripts); short protein forms A58T.
Identifiers: ClinVar variation 3375893 (VCV003375893.1).
Genomic context (GRCh38, chr12:2,115,346, plus strand): 5'-CTGGCCCCTGAGCACATCCCCACCCCGGGGGCTGCCCTGTCGTGGCAGGCGGCCATCGAC[G>A]CAGCCCGGCAGGCTAAGCTGATGGGCAGCGCTGGCAATGCGACCATCTCCACAGTCAGCT-3'
Protein context (NP_000710.5, residues 48-68): AALSWQAAID[Ala58Thr]ARQAKLMGSA

ClinVar aggregate classification (germline): Uncertain significance (1 of 4 stars; one submission).

Submission:

GeneDx
Classification: Uncertain significance. Last evaluated: 2024-05-07. Review status: criteria provided, single submitter. Criteria: GeneDx Variant Classification Process June 2021. Collection method: clinical testing. Allele origin: germline. Affected: yes.
Comment: Not observed at significant frequency in large population cohorts (gnomAD); In silico analysis supports that this missense variant has a deleterious effect on protein structure/function; Has not been previously published as pathogenic or benign to our knowledge